The following is an entry in ClinVar:

NM_000077.5(CDKN2A):c.202G>A (p.Ala68Thr)

Gene: CDKN2A (cyclin dependent kinase inhibitor 2A; minus strand). Cytogenetic location: 9p21.3.
Variant type: single nucleotide variant.
Coding change: c.202G>A on transcript NM_000077.5; coding-DNA position 202, G replaced by A.
Protein change: p.Ala68Thr; replaces alanine 68 with threonine.
Molecular consequence: missense variant (on NM_000077.6). On other transcripts: 3 prime UTR variant (1).
Genome position (GRCh38, 1-based): chr9:21,971,157, C>T on the plus strand (G>A on the coding strand, the complement: CDKN2A is on the minus strand). VCF-style: chr9-21971157-C-T. GRCh37 (hg19) VCF-style: chr9-21971156-C-T.
Other names: c.202G>A, p.Ala68Thr (NM_000077.6, NM_001195132.2); c.49G>A, p.Ala17Thr (NM_001363763.2); c.245G>A, p.Arg82His (NM_058195.4); c.*125G>A (NM_058197.5); short protein forms A17T, A68T, R82H.
Identifiers: ClinVar variation 1784739 (VCV001784739.5), dbSNP rs1819719137, ClinGen allele CA373086343.

ClinVar aggregate classification (germline): Uncertain significance. Review status: criteria provided, multiple submitters, no conflicts (2 of 4 stars). 2 submissions from 2 submitters: Uncertain significance (2). Last evaluated 2025-10-02.

Conditions:
Familial melanoma. Also called: Hereditary cutaneous melanoma; Hereditary melanoma. Identifiers: Orphanet 618, MedGen C1512419, MONDO:0018961.
Hereditary cancer-predisposing syndrome. Also called: Hereditary Cancer Syndrome; Hereditary neoplastic syndrome; Neoplastic Syndromes, Hereditary; Tumor predisposition. Identifiers: Orphanet 140162, MedGen C0027672, MeSH D009386, MONDO:0015356.

Submissions (2):

Labcorp Genetics (formerly Invitae), Labcorp
Classification: Uncertain significance for Familial melanoma. Last evaluated: 2025-10-02. Review status: criteria provided, single submitter. Criteria: Invitae Variant Classification Sherloc (09022015). Collection method: clinical testing. Allele origin: germline.
Comment: The CDKN2A gene encodes two different proteins, p16INK4a and p14ARF, which are translated from alternative transcripts with different open reading frames. Both transcripts have been analyzed. We report either the variant with the higher classification or default to the CDKN2A (p16INK4a) variant. This report therefore includes the details for the CDKN2A (p16INK4a) variant. This sequence change replaces alanine, which is neutral and non-polar, with threonine, which is neutral and polar, at codon 68 of the CDKN2A (p16INK4a) protein (p.Ala68Thr). This variant is not present in population databases (gnomAD no frequency). This variant has not been reported in the literature in individuals affected with CDKN2A (p16INK4a)-related conditions. This variant is also known as c.245G>A (p.Arg82His) in the CDKN2A (p14ARF) transcript. ClinVar contains an entry for this variant (Variation ID: 1784739). An algorithm developed to predict the effect of missense changes on protein structure and function (PolyPhen-2) suggests that this variant is likely to be disruptive. Experimental studies are conflicting or provide insufficient evidence to determine the effect of this variant on CDKN2A (p16INK4a) function (PMID: 11518711, 20340136, 21462282). This variant disrupts the p.Ala68 amino acid residue in CDKN2A (p16INK4a). Other variant(s) that disrupt this residue have been determined to be pathogenic (PMID: 9425228, 11518711, 18983535, 19260062, 20340136, 21462282, 25780468). This suggests that this residue is clinically significant, and that variants that disrupt this residue are likely to be disease-causing. In summary, the available evidence is currently insufficient to determine the role of this variant in disease. Therefore, it has been classified as a Variant of Uncertain Significance.

Ambry Genetics
Classification: Uncertain significance for Hereditary cancer-predisposing syndrome. Last evaluated: 2022-06-13. Review status: criteria provided, single submitter. Criteria: Ambry Variant Classification Scheme 2023. Collection method: clinical testing. Allele origin: germline.
Comment: The p.A68T variant (also known as c.202G>A), located in coding exon 2 of the CDKN2A gene, results from a G to A substitution at nucleotide position 202. The alanine at codon 68 is replaced by threonine, an amino acid with similar properties. This alteration also demonstrated severely reduced CDK4 and CDK6 binding in functional assays (McKenzie HA et al. Hum Mutat, 2010 Jun;31:692-701). This amino acid position is highly conserved in available vertebrate species. In addition, this alteration is predicted to be deleterious by in silico analysis. Since supporting evidence is limited at this time, the clinical significance of this alteration remains unclear.

Literature cited by the submitters: PubMed 11518711 (cited by Labcorp Genetics (formerly Invitae), Labcorp); PubMed 20340136 (cited by Labcorp Genetics (formerly Invitae), Labcorp and Ambry Genetics); PubMed 21462282 (cited by Labcorp Genetics (formerly Invitae), Labcorp); PubMed 9425228 (cited by Labcorp Genetics (formerly Invitae), Labcorp); PubMed 18983535 (cited by Labcorp Genetics (formerly Invitae), Labcorp); PubMed 19260062 (cited by Labcorp Genetics (formerly Invitae), Labcorp); PubMed 25780468 (cited by Labcorp Genetics (formerly Invitae), Labcorp).